The following is an entry in ClinVar:

ClinVar aggregate classification (germline): Uncertain significance (1 of 4 stars; one submission).

Conditions:
Breast-ovarian cancer, familial, susceptibility to, 4. Identifiers: Orphanet 145, MedGen C3280345, MONDO:0013669, OMIM 614291.

Submission:

Labcorp Genetics (formerly Invitae), Labcorp
Classification: Uncertain significance for Breast-ovarian cancer, familial, susceptibility to, 4. Last evaluated: 2024-05-08. Review status: criteria provided, single submitter. Criteria: Invitae Variant Classification Sherloc (09022015). Collection method: clinical testing. Allele origin: germline.
Comment: This sequence change falls in intron 1 of the RAD51D gene. It does not directly change the encoded amino acid sequence of the RAD51D protein. This variant is not present in population databases (gnomAD no frequency). This variant has not been reported in the literature in individuals affected with RAD51D-related conditions. Algorithms developed to predict the effect of sequence changes on RNA splicing suggest that this variant may disrupt the consensus splice site. In summary, the available evidence is currently insufficient to determine the role of this variant in disease. Therefore, it has been classified as a Variant of Uncertain Significance.

NM_002878.4(RAD51D):c.83-6T>C

Genes: RAD51L3-RFFL (RAD51L3-RFFL readthrough; minus strand), RAD51D (RAD51 paralog D; minus strand). Cytogenetic location: 17q12.
Variant type: single nucleotide variant.
Coding change: c.83-6T>C on transcript NM_002878.4 (MANE Select); 6 bases into the intron before coding-DNA position 83, T replaced by C.
Molecular consequence: intron variant.
Genome position (GRCh38, 1-based): chr17:35,119,178, A>G on the plus strand (T>C on the coding strand, the complement: RAD51D is on the minus strand). VCF-style: chr17-35119178-A-G. GRCh37 (hg19) VCF-style: chr17-33446197-A-G.
Other names: c.83-6T>C (NM_133629.3, NM_001142571.2).
Identifiers: ClinVar variation 3652623 (VCV003652623.2).